The following is an entry in ClinVar:

NM_001136191.3(KANK2):c.199C>T (p.Arg67Cys)

Gene: KANK2 (KN motif and ankyrin repeat domains 2; minus strand). Cytogenetic location: 19p13.2.
Variant type: single nucleotide variant.
Coding change: c.199C>T on transcript NM_001136191.3 (MANE Select); coding-DNA position 199, C replaced by T.
Protein change: p.Arg67Cys; replaces arginine 67 with cysteine.
Molecular consequence: missense variant.
Genome position (GRCh38, 1-based): chr19:11,193,881, G>A on the plus strand (C>T on the coding strand, the complement: KANK2 is on the minus strand). VCF-style: chr19-11193881-G-A. GRCh37 (hg19) VCF-style: chr19-11304557-G-A.
Other names: c.199C>T, p.Arg67Cys (NM_001379555.1, NM_001379556.1, NM_001379557.1 and 15 more transcripts); short protein forms R67C.
Identifiers: ClinVar variation 1948381 (VCV001948381.5), dbSNP rs1161007953, ClinGen allele CA404091022.

ClinVar aggregate classification (germline): Uncertain significance (1 of 4 stars; one submission).

Allele frequency attached by ClinVar (database versions not stated): TOPMed below 0.00001; gnomAD 0.00001.
gnomAD v4.1: 4 of 1,613,372 alleles (0.00025%); highest among the groups gnomAD compares: East Asian, 0.0022%; no homozygotes.

Submission:

Labcorp Genetics (formerly Invitae), Labcorp
Classification: Uncertain significance. Last evaluated: 2023-01-05. Review status: criteria provided, single submitter. Criteria: Invitae Variant Classification Sherloc (09022015). Collection method: clinical testing. Allele origin: germline.
Comment: This variant is present in population databases (no rsID available, gnomAD 0.01%). In summary, the available evidence is currently insufficient to determine the role of this variant in disease. Therefore, it has been classified as a Variant of Uncertain Significance. Algorithms developed to predict the effect of missense changes on protein structure and function (SIFT, PolyPhen-2, Align-GVGD) all suggest that this variant is likely to be disruptive. This variant has not been reported in the literature in individuals affected with KANK2-related conditions. This sequence change replaces arginine, which is basic and polar, with cysteine, which is neutral and slightly polar, at codon 67 of the KANK2 protein (p.Arg67Cys).